The following is an entry in ClinVar:

NM_001329943.3(KIAA0586):c.1932A>T (p.Leu644Phe)

Gene: KIAA0586 (KIAA0586; plus strand). Cytogenetic location: 14q23.1.
Variant type: single nucleotide variant.
Coding change: c.1932A>T on transcript NM_001329943.3 (MANE Select); coding-DNA position 1932, A replaced by T.
Protein change: p.Leu644Phe; replaces leucine 644 with phenylalanine.
Molecular consequence: missense variant.
Genome position (GRCh38, 1-based): chr14:58,461,033, A>T. VCF-style: chr14-58461033-A-T. GRCh37 (hg19) VCF-style: chr14-58927751-A-T.
Other names: c.2091A>T, p.Leu697Phe (NM_001244189.2); c.1887A>T, p.Leu629Phe (NM_001244190.2); c.1677A>T, p.Leu559Phe (NM_001244191.2, NM_001329945.2, NM_001364700.1 and 1 more transcripts); c.1800A>T, p.Leu600Phe (NM_001244192.2); c.1512A>T, p.Leu504Phe (NM_001244193.2); c.1932A>T, p.Leu644Phe (NM_001329944.2, NM_001329946.2, NM_001329947.2); c.1704A>T, p.Leu568Phe (NM_014749.5); short protein forms L504F, L644F, L568F, L600F, L629F, L559F, L697F.
Identifiers: ClinVar variation 1473577 (VCV001473577.8), dbSNP rs2140886222, ClinGen allele CA389872388.

ClinVar aggregate classification (germline): Uncertain significance (1 of 4 stars; one submission).

Conditions:
Joubert syndrome 23 (JBTS23). Identifiers: Orphanet 475, MedGen C4084822, MONDO:0014664, OMIM 616490.
Short-rib thoracic dysplasia 14 with polydactyly (SRTD14). Identifiers: Orphanet 397715, MedGen C4225286, MONDO:0014688, OMIM 616546.

Submission:

Labcorp Genetics (formerly Invitae), Labcorp
Classification: Uncertain significance for Joubert syndrome 23; Short-rib thoracic dysplasia 14 with polydactyly. Last evaluated: 2021-07-05. Review status: criteria provided, single submitter. Criteria: Invitae Variant Classification Sherloc (09022015). Collection method: clinical testing. Allele origin: germline.
Comment: This variant has not been reported in the literature in individuals affected with KIAA0586-related conditions. This sequence change replaces leucine with phenylalanine at codon 697 of the KIAA0586 protein (p.Leu697Phe). The leucine residue is moderately conserved and there is a small physicochemical difference between leucine and phenylalanine. This variant is not present in population databases (ExAC no frequency). Algorithms developed to predict the effect of missense changes on protein structure and function output the following: SIFT: "Tolerated"; PolyPhen-2: "Benign"; Align-GVGD: "Class C0". The phenylalanine amino acid residue is found in multiple mammalian species, which suggests that this missense change does not adversely affect protein function. In summary, the available evidence is currently insufficient to determine the role of this variant in disease. Therefore, it has been classified as a Variant of Uncertain Significance.